The following is an entry in ClinVar:

NM_001010898.4(SLC6A17):c.1723G>A (p.Val575Met)

Gene: SLC6A17 (solute carrier family 6 member 17; plus strand). Cytogenetic location: 1p13.3.
Variant type: single nucleotide variant.
Coding change: c.1723G>A on transcript NM_001010898.4 (MANE Select); coding-DNA position 1723, G replaced by A.
Protein change: p.Val575Met; replaces valine 575 with methionine.
Molecular consequence: missense variant.
Genome position (GRCh38, 1-based): chr1:110,197,507, G>A. VCF-style: chr1-110197507-G-A. GRCh37 (hg19) VCF-style: chr1-110740129-G-A.
Other names: short protein forms V575M.
Identifiers: ClinVar variation 436766 (VCV000436766.10), dbSNP rs143189177, ClinGen allele CA998246.

ClinVar aggregate classification (germline): Uncertain significance. Review status: criteria provided, multiple submitters, no conflicts (2 of 4 stars). 4 submissions from 4 submitters: Uncertain significance (4). Last evaluated 2023-04-11.

Conditions:
Intellectual developmental disorder, autosomal recessive 48. Also called: Progressive essential tremor-speech impairment-facial dysmorphism-intellectual disability-abnormal behavior syndrome. Identifiers: Orphanet 457212, MedGen C4225395, MONDO:0014559, OMIM 616269.

Allele frequency attached by ClinVar (database versions not stated): ExAC 0.00011; gnomAD exomes 0.00022; TOPMed 0.00011; ESP Exome Variant Server 0.00031.
gnomAD v4.1: 206 of 1,613,758 alleles (0.013%); highest among the groups gnomAD compares: Admixed American, 0.015%; no homozygotes.

Submissions (4):

Genome-Nilou Lab
Classification: Uncertain significance for Intellectual developmental disorder, autosomal recessive 48. Last evaluated: 2023-04-11. Review status: criteria provided, single submitter. Criteria: ACMG Guidelines, 2015. Collection method: clinical testing. Allele origin: germline. Affected: no.

Ambry Genetics
Classification: Uncertain significance. Last evaluated: 2023-04-05. Review status: criteria provided, single submitter. Criteria: Ambry Variant Classification Scheme 2023. Collection method: clinical testing. Allele origin: germline.

Baylor Genetics
Classification: Uncertain significance for Intellectual developmental disorder, autosomal recessive 48. Last evaluated: 2018-01-29. Review status: criteria provided, single submitter. Criteria: ACMG Guidelines, 2015. Collection method: clinical testing. Allele origin: paternal. Affected: yes.
Comment: This variant was determined to be of uncertain significance according to ACMG Guidelines, 2015 [PMID:25741868].

Genetic Services Laboratory, University of Chicago
Classification: Uncertain significance. Last evaluated: 2016-03-25. Review status: criteria provided, single submitter. Criteria: ACMG Guidelines, 2015. Collection method: clinical testing. Allele origin: germline. Affected: no.